The following is an entry in ClinVar:

ClinVar aggregate classification (germline): Likely benign. Review status: criteria provided, single submitter (1 of 4 stars). 2 submissions from 2 submitters: Likely benign (1). 1 of the submissions does not count toward it. Last evaluated 2023-02-11.

Conditions:
ACO2-related disorder. Also called: ACO2-Related Disorders.

Allele frequency attached by ClinVar (database versions not stated): gnomAD exomes below 0.00001; gnomAD 0.00001; TOPMed 0.00001.
gnomAD v4.1: 4 of 1,613,366 alleles (0.00025%); highest among the groups gnomAD compares: African/African-American, 0.0027%; no homozygotes.

Submissions (2):

Labcorp Genetics (formerly Invitae), Labcorp
Classification: Likely benign. Last evaluated: 2023-02-11. Review status: criteria provided, single submitter. Criteria: Invitae Variant Classification Sherloc (09022015). Collection method: clinical testing. Allele origin: germline.

PreventionGenetics, part of Exact Sciences
Classification: Likely benign for ACO2-related condition. Last evaluated: 2021-06-14. Review status: no assertion criteria provided. Collection method: clinical testing. Allele origin: germline. Not counted in ClinVar's aggregate classification.
Comment: This variant is classified as likely benign based on ACMG/AMP sequence variant interpretation guidelines (Richards et al. 2015 PMID: 25741868, with internal and published modifications).

NM_001098.3(ACO2):c.2052G>A (p.Arg684=)

Genes: ACO2 (aconitase 2; plus strand), POLR3H (RNA polymerase III subunit H; minus strand). Cytogenetic location: 22q13.2.
Variant type: single nucleotide variant.
Coding change: c.2052G>A on transcript NM_001098.3 (MANE Select); coding-DNA position 2052, G replaced by A.
Protein change: p.Arg684=; no amino-acid change (arginine 684 retained).
Molecular consequence: synonymous variant. On other transcripts: 3 prime UTR variant (5).
Genome position (GRCh38, 1-based): chr22:41,527,386, G>A. VCF-style: chr22-41527386-G-A. GRCh37 (hg19) VCF-style: chr22-41923390-G-A.
Other names: c.*1897C>T (NM_001018050.4, NM_001018052.4, NM_001282884.2 and 2 more transcripts).
Identifiers: ClinVar variation 2870327 (VCV002870327.5), dbSNP rs2066623541, ClinGen allele CA514653530.